The following is an entry in ClinVar:

ClinVar aggregate classification (germline): Uncertain significance. Review status: criteria provided, multiple submitters, no conflicts (2 of 4 stars). 3 submissions from 3 submitters: Uncertain significance (3). Last evaluated 2025-02-25.

Conditions:
Inborn genetic diseases. Identifiers: MedGen C0950123, MeSH D030342.
Cowden syndrome 6 (CWS6). Identifiers: Orphanet 201, MedGen C3554519, MONDO:0014048, OMIM 615109.
Familial cancer of breast. Also called: BREAST CANCER, FAMILIAL; hereditary breast carcinoma; Hereditary breast cancer. Identifiers: Orphanet 227535, MedGen C0346153, MONDO:0016419, OMIM 114480. Disease mechanism: loss of function.
Proteus syndrome. Also called: GIGANTISM, PARTIAL, OF HANDS AND FEET, NEVI, HEMIHYPERTROPHY, AND MACROCEPHALY; PROTEUS SYNDROME, SOMATIC; ELATTOPROTEUS SYNDROME; Macrocephaly mesodermal hamartoma spectrum; Hemihypertrophy and macrocephaly; Partial gigantism of hands and feet, nevi, hemihypertrophy, macrocephaly. Identifiers: Orphanet 744, MedGen C0085261, MONDO:0008318, OMIM 176920. Disease mechanism: loss of function, gain of function.
Ovarian cancer. Also called: OVARIAN CANCER, SOMATIC. Identifiers: Orphanet 213500, MedGen C1140680, MONDO:0008170, OMIM 167000.
Colorectal cancer. Also called: Colorectal cancer, somatic; Malignant Colorectal Neoplasm. Identifiers: MedGen C0346629, MONDO:0005575, OMIM 114500.

Allele frequency attached by ClinVar (database versions not stated): TOPMed below 0.00001; gnomAD 0.00001; gnomAD exomes 0.00001.
gnomAD v4.1: 11 of 1,614,028 alleles (0.00068%); highest among the groups gnomAD compares: Non-Finnish European, 0.00076%; no homozygotes.

Submissions (3):

Ambry Genetics
Classification: Uncertain significance for Inborn genetic diseases. Last evaluated: 2025-02-25. Review status: criteria provided, single submitter. Criteria: Ambry Variant Classification Scheme 2023. Collection method: clinical testing. Allele origin: germline.
Comment: The p.R346C variant (also known as c.1036C>T), located in coding exon 10 of the AKT1 gene, results from a C to T substitution at nucleotide position 1036. The arginine at codon 346 is replaced by cysteine, an amino acid with highly dissimilar properties. This amino acid position is conserved. In addition, this alteration is predicted to be deleterious by in silico analysis. Based on the available evidence, the clinical significance of this variant remains unclear.

Fulgent Genetics
Classification: Uncertain significance for Familial cancer of breast; Colorectal cancer; Ovarian cancer; Proteus syndrome; Cowden syndrome 6. Last evaluated: 2024-01-23. Review status: criteria provided, single submitter. Criteria: ACMG Guidelines, 2015. Collection method: clinical testing. Allele origin: germline.

Labcorp Genetics (formerly Invitae), Labcorp
Classification: Uncertain significance for Cowden syndrome 6. Last evaluated: 2021-09-01. Review status: criteria provided, single submitter. Criteria: Invitae Variant Classification Sherloc (09022015). Collection method: clinical testing. Allele origin: germline.
Comment: This sequence change replaces arginine with cysteine at codon 346 of the AKT1 protein (p.Arg346Cys). The arginine residue is highly conserved and there is a large physicochemical difference between arginine and cysteine. This variant is not present in population databases (ExAC no frequency). This variant has not been reported in the literature in individuals affected with AKT1-related conditions. Algorithms developed to predict the effect of missense changes on protein structure and function are either unavailable or do not agree on the potential impact of this missense change (SIFT: "Deleterious"; PolyPhen-2: "Probably Damaging"; Align-GVGD: "Class C0"). In summary, the available evidence is currently insufficient to determine the role of this variant in disease. Therefore, it has been classified as a Variant of Uncertain Significance.

NM_001382430.1(AKT1):c.1036C>T (p.Arg346Cys)

Gene: AKT1 (AKT serine/threonine kinase 1; minus strand). Cytogenetic location: 14q32.33.
Variant type: single nucleotide variant.
Coding change: c.1036C>T on transcript NM_001382430.1 (MANE Select); coding-DNA position 1036, C replaced by T.
Protein change: p.Arg346Cys; replaces arginine 346 with cysteine.
Molecular consequence: missense variant.
Genome position (GRCh38, 1-based): chr14:104,773,014, G>A on the plus strand (C>T on the coding strand, the complement: AKT1 is on the minus strand). VCF-style: chr14-104773014-G-A. GRCh37 (hg19) VCF-style: chr14-105239351-G-A.
Other names: c.1036C>T, p.Arg346Cys (NM_001014431.2, NM_001014432.2, NM_001382431.1 and 3 more transcripts); short protein forms R346C.
Identifiers: ClinVar variation 1395960 (VCV001395960.7), dbSNP rs1168658858, ClinGen allele CA391217111.